The following is an entry in ClinVar:

ClinVar aggregate classification (germline): Uncertain significance (0 of 4 stars; one submission).

Conditions:
SIM1-related disorder. Also called: SIM1-related condition; SIM1-related disorders.

gnomAD v4.1: 2 of 1,614,154 alleles (0.00012%); highest among the groups gnomAD compares: Admixed American, 0.0017%; no homozygotes.

Submission:

PreventionGenetics, part of Exact Sciences
Classification: Uncertain significance for SIM1-related condition. Last evaluated: 2024-09-06. Review status: no assertion criteria provided. Collection method: clinical testing. Allele origin: germline.
Comment: The SIM1 c.1436T>C variant is predicted to result in the amino acid substitution p.Leu479Pro. To our knowledge, this variant has not been reported in the literature. This variant is reported in 0.0029% of alleles in individuals of Latino descent in gnomAD. At this time, the clinical significance of this variant is uncertain due to the absence of conclusive functional and genetic evidence.

NM_005068.3(SIM1):c.1436T>C (p.Leu479Pro)

Genes: SIM1 (SIM bHLH transcription factor 1; minus strand), SIM1-AS1 (SIM1 antisense RNA 1; plus strand). Cytogenetic location: 6q16.3.
Variant type: single nucleotide variant.
Coding change: c.1436T>C on transcript NM_005068.3 (MANE Select); coding-DNA position 1436, T replaced by C.
Protein change: p.Leu479Pro; replaces leucine 479 with proline.
Molecular consequence: missense variant. On other transcripts: non-coding transcript variant (1).
Genome position (GRCh38, 1-based): chr6:100,393,621, A>G on the plus strand (T>C on the coding strand, the complement: SIM1 is on the minus strand). VCF-style: chr6-100393621-A-G. GRCh37 (hg19) VCF-style: chr6-100841497-A-G.
Other names: c.1436T>C, p.Leu479Pro (NM_001374769.1); short protein forms L479P.
Identifiers: ClinVar variation 3355614 (VCV003355614.1).
Genomic context (GRCh38, chr6:100,393,621, plus strand): 5'-GTCAGGGGCAAGGCTGCGCGAGAGCCCCACCAGGGCTCCCTCCCGGCCTGCGGCGTTCCC[A>G]GGAAGTACCTGCCTGCCTCACATCGGCCTCCTTCACAGGCCTGGGTATGGAAATGCCTCT-3'
Protein context (NP_005059.2, residues 469-489): GGRCEAGRYF[Leu479Pro]GTPQAGREPW